The following is an entry in ClinVar:

NM_025114.4(CEP290):c.503G>A (p.Arg168His)

Gene: CEP290 (centrosomal protein 290; minus strand). Cytogenetic location: 12q21.32.
Variant type: single nucleotide variant.
Coding change: c.503G>A on transcript NM_025114.4 (MANE Select); coding-DNA position 503, G replaced by A.
Protein change: p.Arg168His; replaces arginine 168 with histidine.
Molecular consequence: missense variant.
Genome position (GRCh38, 1-based): chr12:88,130,558, C>T on the plus strand (G>A on the coding strand, the complement: CEP290 is on the minus strand). VCF-style: chr12-88130558-C-T. GRCh37 (hg19) VCF-style: chr12-88524335-C-T.
Other names: short protein forms R168H.
Identifiers: ClinVar variation 310628 (VCV000310628.23), dbSNP rs200063017, ClinGen allele CA6712768.

ClinVar aggregate classification (germline): Conflicting classifications of pathogenicity. Review status: criteria provided, conflicting classifications (1 of 4 stars). 13 submissions from 9 submitters: Uncertain significance (5); Likely benign (5). 3 of the submissions do not count toward it. Last evaluated 2026-01-21.

Conditions:
Meckel-Gruber syndrome. Also called: GRUBER SYNDROME; DYSENCEPHALIA SPLANCHNOCYSTICA; Dysencephalia splachnocystica. Identifiers: Orphanet 564, MedGen C0265215, MONDO:0018921.
Joubert syndrome. Also called: JOUBERT-BOLTSHAUSER SYNDROME; Familial aplasia of the vermis. Identifiers: Orphanet 475, MedGen C5979921, MONDO:0018772.
Nephronophthisis. Also called: Juvenile Nephronophthisis. Identifiers: Orphanet 655, MedGen C0687120, MONDO:0019005, HP:0000090.
Meckel syndrome, type 4 (MKS4). Also called: MECKEL-GRUBER SYNDROME, TYPE 4. Identifiers: Orphanet 564, MedGen C1970161, MONDO:0012626, OMIM 611134.
Retinitis pigmentosa (RP). Identifiers: Orphanet 791, MedGen C0035334, MeSH D012174, MONDO:0019200, OMIM 268000. Inheritance: Autosomal dominant, autosomal recessive and X linked inheritance.
Bardet-Biedl syndrome 14 (BBS14). Identifiers: Orphanet 110, MedGen C2673874, MONDO:0014442, OMIM 615991.
CEP290-related disorder. Also called: CEP290-related disorders; CEP290-related condition. Identifiers: MedGen CN239314.
Leber congenital amaurosis (LCA). Also called: Leber's amaurosis. Identifiers: Orphanet 65, MedGen C0339527, MeSH D057130, MONDO:0018998.
CEP290-related ciliopathy. Also called: CEP290 ciliopathy. Identifiers: MedGen CN305601, MONDO:0100451.
Retinal dystrophy. Also called: Inherited retinal dystrophy. Identifiers: Orphanet 71862, MedGen C0854723, MeSH D058499, MONDO:0019118, HP:0000556.
Leber congenital amaurosis 10 (LCA10). Identifiers: Orphanet 65, MedGen C1857821, MONDO:0012723, OMIM 611755.
Senior-Loken syndrome 6 (SLSN6). Identifiers: Orphanet 3156, MedGen C1857779, MONDO:0012433, OMIM 610189.
Joubert syndrome 5 (JBTS5). Identifiers: Orphanet 2318, MedGen C1857780, MONDO:0012432, OMIM 610188.

Allele frequency attached by ClinVar (database versions not stated): ESP Exome Variant Server 0.00009; TOPMed 0.00024; gnomAD 0.00029; gnomAD exomes 0.00029; ExAC 0.00043.

Submissions (13):

Labcorp Genetics (formerly Invitae), Labcorp
Classification: Likely benign for Joubert syndrome; Meckel-Gruber syndrome; Nephronophthisis. Last evaluated: 2026-01-21. Review status: criteria provided, single submitter. Criteria: Invitae Variant Classification Sherloc (09022015). Collection method: clinical testing. Allele origin: germline.

Blueprint Genetics
Classification: Likely benign. Last evaluated: 2024-07-22. Review status: criteria provided, single submitter. Criteria: ACMG Guidelines, 2015. Collection method: clinical testing. Allele origin: germline.

Dept Of Ophthalmology, Nagoya University
Classification: Likely benign for Retinal dystrophy. Last evaluated: 2023-10-01. Review status: criteria provided, single submitter. Criteria: Submitter's publication. Collection method: research. Allele origin: germline. Affected: yes.

Women's Health and Genetics/Laboratory Corporation of America, LabCorp
Classification: Likely benign. Last evaluated: 2023-08-09. Review status: criteria provided, single submitter. Criteria: LabCorp Variant Classification Summary - May 2015. Collection method: clinical testing. Allele origin: germline.
Comment: Variant summary: CEP290 c.503G>A (p.Arg168His) results in a non-conservative amino acid change in the encoded protein sequence. Four of five in-silico tools predict a benign effect of the variant on protein function. The variant allele was found at a frequency of 0.00029 in 245892 control chromosomes (gnomAD), predominantly at a frequency of 0.0037 within the East Asian subpopulation in the gnomAD database. The observed variant frequency within East Asian control individuals in the gnomAD database is approximately 3 fold of the estimated maximal expected allele frequency for a pathogenic variant in CEP290 causing Meckel Syndrome Type 4 (0.0011), strongly suggesting that the variant is a benign polymorphism found primarily in populations of East Asian origin. c.503G>A has been reported in the literature in individuals affected with Retinitis Pigmentosa (Jespersgaard_2019). This report does not provide unequivocal conclusions about association of the variant with Meckel Syndrome Type 4. To our knowledge, no experimental evidence demonstrating an impact on protein function has been reported. The following publications have been ascertained in the context of this evaluation (PMID: 30718709, 33924653). Five ClinVar submitters have assessed the variant since 2014: three classified the variant as uncertain significance, and two as likely benign. Based on the evidence outlined above, the variant was classified as likely benign.

Department of Pathology and Laboratory Medicine, Sinai Health System
Classification: Uncertain significance for CEP290-related ciliopathy. Last evaluated: 2021-07-30. Review status: criteria provided, single submitter. Criteria: ACMG Guidelines, 2015. Collection method: research. Allele origin: germline.

Illumina Laboratory Services, Illumina
Classification: Uncertain significance for Meckel syndrome, type 4. Last evaluated: 2018-01-12. Review status: criteria provided, single submitter. Criteria: ICSL Variant Classification Criteria 13 December 2019. Collection method: clinical testing. Allele origin: germline.

Illumina Laboratory Services, Illumina
Classification: Uncertain significance for Joubert syndrome 5. Last evaluated: 2018-01-12. Review status: criteria provided, single submitter. Criteria: ICSL Variant Classification Criteria 13 December 2019. Collection method: clinical testing. Allele origin: germline.

Illumina Laboratory Services, Illumina
Classification: Uncertain significance for Leber congenital amaurosis 10. Last evaluated: 2018-01-12. Review status: criteria provided, single submitter. Criteria: ICSL Variant Classification Criteria 13 December 2019. Collection method: clinical testing. Allele origin: germline.

Illumina Laboratory Services, Illumina
Classification: Likely benign for Senior-Loken syndrome 6. Last evaluated: 2018-01-12. Review status: criteria provided, single submitter. Criteria: ICSL Variant Classification Criteria 13 December 2019. Collection method: clinical testing. Allele origin: germline.
Comment: This variant was observed in the ICSL laboratory as part of a predisposition screen in an ostensibly healthy population. It had not been previously curated by ICSL or reported in the Human Gene Mutation Database (HGMD: prior to June 1st, 2018), and was therefore a candidate for classification through an automated scoring system. Utilizing variant allele frequency, disease prevalence and penetrance estimates, and inheritance mode, an automated score was calculated to assess if this variant is too frequent to cause the disease. Based on the score and internal cut-off values, a variant classified as likely benign is not then subjected to further curation. The score for this variant resulted in a classification of likely benign for this disease.

Illumina Laboratory Services, Illumina
Classification: Uncertain significance for Bardet-Biedl syndrome 14. Last evaluated: 2018-01-12. Review status: criteria provided, single submitter. Criteria: ICSL Variant Classification Criteria 13 December 2019. Collection method: clinical testing. Allele origin: germline.

PreventionGenetics, part of Exact Sciences
Classification: Likely benign for CEP290-related condition. Last evaluated: 2022-11-07. Review status: no assertion criteria provided. Collection method: clinical testing. Allele origin: germline. Not counted in ClinVar's aggregate classification.
Comment: This variant is classified as likely benign based on ACMG/AMP sequence variant interpretation guidelines (Richards et al. 2015 PMID: 25741868, with internal and published modifications).

Natera, Inc.
Classification: Uncertain significance for Leber congenital amaurosis. Last evaluated: 2020-04-17. Review status: no assertion criteria provided. Collection method: clinical testing. Allele origin: germline. Not counted in ClinVar's aggregate classification.

Department of Clinical Genetics, Copenhagen University Hospital, Rigshospitalet
Classification: Uncertain significance for Retinitis pigmentosa. Last evaluated: 2018-04-01. Review status: no assertion criteria provided. Collection method: research. Allele origin: unknown. Affected: yes. Study: VeluxRD. Not counted in ClinVar's aggregate classification.

Literature cited by the submitters: PubMed 30718709 (cited by Women's Health and Genetics/Laboratory Corporation of America, LabCorp and Department of Clinical Genetics, Copenhagen University Hospital, Rigshospitalet); PubMed 33924653 (cited by Women's Health and Genetics/Laboratory Corporation of America, LabCorp).